The following is an entry in ClinVar:

ClinVar aggregate classification (germline): Likely benign. Review status: criteria provided, single submitter (1 of 4 stars). 2 submissions from 2 submitters: Likely benign (1). 1 of the submissions does not count toward it. Last evaluated 2025-12-18.

Conditions:
COL6A1-related disorder. Also called: COL6A1-related condition.
Bethlem myopathy 1A. Also called: MYOPATHY, BENIGN CONGENITAL, WITH CONTRACTURES; Bethlem Muscular Dystrophy; Bethlem myopathy 1. Identifiers: Orphanet 610, MedGen CN029274, MONDO:0024530, OMIM 158810.

Allele frequency attached by ClinVar (database versions not stated): gnomAD 0.00001; gnomAD exomes 0.00001 and 0.00002; TOPMed 0.00002; ExAC 0.00003.
gnomAD v4.1: 16 of 1,612,422 alleles (0.00099%); highest among the groups gnomAD compares: East Asian, 0.0022%; no homozygotes.

Submissions (2):

Labcorp Genetics (formerly Invitae), Labcorp
Classification: Likely benign for Bethlem myopathy 1A. Last evaluated: 2025-12-18. Review status: criteria provided, single submitter. Criteria: Invitae Variant Classification Sherloc (09022015). Collection method: clinical testing. Allele origin: germline.

PreventionGenetics, part of Exact Sciences
Classification: Likely benign for COL6A1-related condition. Last evaluated: 2019-06-24. Review status: no assertion criteria provided. Collection method: clinical testing. Allele origin: germline. Not counted in ClinVar's aggregate classification.
Comment: This variant is classified as likely benign based on ACMG/AMP sequence variant interpretation guidelines (Richards et al. 2015 PMID: 25741868, with internal and published modifications).

NM_001848.3(COL6A1):c.1977C>T (p.Tyr659=)

Gene: COL6A1 (collagen type VI alpha 1 chain; plus strand). Cytogenetic location: 21q22.3.
Variant type: single nucleotide variant.
Coding change: c.1977C>T on transcript NM_001848.3 (MANE Select); coding-DNA position 1977, C replaced by T.
Protein change: p.Tyr659=; no amino-acid change (tyrosine 659 retained).
Molecular consequence: synonymous variant.
Genome position (GRCh38, 1-based): chr21:46,001,981, C>T. VCF-style: chr21-46001981-C-T. GRCh37 (hg19) VCF-style: chr21-47421895-C-T.
Identifiers: ClinVar variation 743066 (VCV000743066.12), dbSNP rs121912937, ClinGen allele CA10070706.